The following is an entry in ClinVar:

NM_001277115.2(DNAH11):c.8620C>T (p.Leu2874Phe)

Gene: DNAH11 (dynein axonemal heavy chain 11; plus strand). Cytogenetic location: 7p15.3.
Variant type: single nucleotide variant.
Coding change: c.8620C>T on transcript NM_001277115.2 (MANE Select); coding-DNA position 8620, C replaced by T.
Protein change: p.Leu2874Phe; replaces leucine 2874 with phenylalanine.
Molecular consequence: missense variant.
Genome position (GRCh38, 1-based): chr7:21,748,689, C>T. VCF-style: chr7-21748689-C-T. GRCh37 (hg19) VCF-style: chr7-21788307-C-T.
Other names: short protein forms L2874F.
Identifiers: ClinVar variation 410872 (VCV000410872.11), dbSNP rs1060503065, ClinGen allele CA16612337.

ClinVar aggregate classification (germline): Uncertain significance (1 of 4 stars; one submission).

Conditions:
Primary ciliary dyskinesia. Also called: Ciliary dyskinesia. Identifiers: Orphanet 244, MedGen C0008780, MONDO:0016575, HP:0012265.

gnomAD v4.1: 1 of 1,613,588 alleles (0.000062%); no homozygotes.

Submission:

Labcorp Genetics (formerly Invitae), Labcorp
Classification: Uncertain significance for Primary ciliary dyskinesia. Last evaluated: 2019-05-08. Review status: criteria provided, single submitter. Criteria: Invitae Variant Classification Sherloc (09022015). Collection method: clinical testing. Allele origin: germline.
Comment: In summary, this variant is a novel missense change with uncertain impact on protein function. It has been classified as a Variant of Uncertain Significance. Algorithms developed to predict the effect of missense changes on protein structure and function do not agree on the potential impact of this missense change (SIFT: "Deleterious"; PolyPhen-2: "Benign"; Align-GVGD: "Class C15"). This variant is not present in population databases (ExAC no frequency) and has not been reported in the literature in individuals with a DNAH11-related disease. This sequence change replaces leucine with phenylalanine at codon 2874 of the DNAH11 protein (p.Leu2874Phe). The leucine residue is highly conserved and there is a small physicochemical difference between leucine and phenylalanine.